The following is an entry in ClinVar:

NM_014714.4(IFT140):c.1901+6A>G

Gene: IFT140 (intraflagellar transport 140; minus strand). Cytogenetic location: 16p13.3.
Variant type: single nucleotide variant.
Coding change: c.1901+6A>G on transcript NM_014714.4 (MANE Select); 6 bases into the intron after coding-DNA position 1901, A replaced by G.
Molecular consequence: intron variant.
Genome position (GRCh38, 1-based): chr16:1,566,155, T>C on the plus strand (A>G on the coding strand, the complement: IFT140 is on the minus strand). VCF-style: chr16-1566155-T-C. GRCh37 (hg19) VCF-style: chr16-1616156-T-C.
Identifiers: ClinVar variation 4762690 (VCV004762690.1).

ClinVar aggregate classification (germline): Uncertain significance (1 of 4 stars; one submission).

Conditions:
Saldino-Mainzer syndrome (SRTD9). Also called: CONORENAL SYNDROME; Renal dysplasia, retinal pigmentary dystrophy, cerebellar ataxia and skeletal dysplasia; SHORT-RIB THORACIC DYSPLASIA 9 WITHOUT POLYDACTYLY; short-rib thoracic dysplasia 9 with or without polydactyly. Identifiers: Orphanet 140969, MedGen C1849437, MONDO:0009964, OMIM 266920.

gnomAD v4.1: 4 of 1,611,704 alleles (0.00025%); highest among the groups gnomAD compares: South Asian, 0.0044%; no homozygotes.

Submission:

Labcorp Genetics (formerly Invitae), Labcorp
Classification: Uncertain significance for Saldino-Mainzer syndrome. Last evaluated: 2025-07-02. Review status: criteria provided, single submitter. Criteria: Invitae Variant Classification Sherloc (09022015). Collection method: clinical testing. Allele origin: germline.
Comment: This sequence change falls in intron 16 of the IFT140 gene. It does not directly change the encoded amino acid sequence of the IFT140 protein. It affects a nucleotide within the consensus splice site. This variant is present in population databases (rs755201312, gnomAD 0.003%). This variant has not been reported in the literature in individuals affected with IFT140-related conditions. Variants that disrupt the consensus splice site are a relatively common cause of aberrant splicing (PMID: 17576681, 9536098). Algorithms developed to predict the effect of sequence changes on RNA splicing suggest that this variant is not likely to affect RNA splicing. In summary, the available evidence is currently insufficient to determine the role of this variant in disease. Therefore, it has been classified as a Variant of Uncertain Significance.

Literature cited by the submitters: PubMed 17576681; PubMed 9536098.